The following is an entry in ClinVar:

ClinVar aggregate classification (germline): Uncertain significance (1 of 4 stars; one submission).

Conditions:
Charcot-Marie-Tooth disease type 4. Also called: Charcot-Marie-Tooth disease, type IV; Charcot-Marie-Tooth, Type 4. Identifiers: Orphanet 64749, MedGen C4082197, MONDO:0018995.

Allele frequency attached by ClinVar (database versions not stated): gnomAD exomes below 0.00001.
gnomAD v4.1: 1 of 1,614,204 alleles (0.000062%); highest among the groups gnomAD compares: Non-Finnish European, 0.000085%; no homozygotes.

Submission:

Labcorp Genetics (formerly Invitae), Labcorp
Classification: Uncertain significance for Charcot-Marie-Tooth disease type 4. Last evaluated: 2025-07-14. Review status: criteria provided, single submitter. Criteria: Invitae Variant Classification Sherloc (09022015). Collection method: clinical testing. Allele origin: germline.
Comment: This sequence change replaces valine, which is neutral and non-polar, with alanine, which is neutral and non-polar, at codon 187 of the SH3TC2 protein (p.Val187Ala). This variant is not present in population databases (gnomAD no frequency). This variant has not been reported in the literature in individuals affected with SH3TC2-related conditions. ClinVar contains an entry for this variant (Variation ID: 543371). Invitae Evidence Modeling of protein sequence and biophysical properties (such as structural, functional, and spatial information, amino acid conservation, physicochemical variation, residue mobility, and thermodynamic stability) indicates that this missense variant is not expected to disrupt SH3TC2 protein function with a negative predictive value of 95%. In summary, the available evidence is currently insufficient to determine the role of this variant in disease. Therefore, it has been classified as a Variant of Uncertain Significance.

NM_024577.4(SH3TC2):c.560T>C (p.Val187Ala)

Gene: SH3TC2 (SH3 domain and tetratricopeptide repeats 2; minus strand). Cytogenetic location: 5q32.
Variant type: single nucleotide variant.
Coding change: c.560T>C on transcript NM_024577.4 (MANE Select); coding-DNA position 560, T replaced by C.
Protein change: p.Val187Ala; replaces valine 187 with alanine.
Molecular consequence: missense variant.
Genome position (GRCh38, 1-based): chr5:149,041,587, A>G on the plus strand (T>C on the coding strand, the complement: SH3TC2 is on the minus strand). VCF-style: chr5-149041587-A-G. GRCh37 (hg19) VCF-style: chr5-148421150-A-G.
Other names: short protein forms V187A.
Identifiers: ClinVar variation 543371 (VCV000543371.8), dbSNP rs1554122762, ClinGen allele CA361674759.
Genomic context (GRCh38, chr5:149,041,587, plus strand): 5'-GAGATTAACTCATTCTTGCAAAGTGTCAAGCATTCCCCTTCCTTCTCGGCTGGTGGAGTC[A>G]CGGAGCACAGGGCTCTGCAGAAGAAGTGGCCTGTGGATAATGAGAAAAGCAATGGCTTTC-3'
Protein context (NP_078853.2, residues 177-197): GHFFCRALCS[Val187Ala]TPPAEKEGEC